The following is an entry in ClinVar:

ClinVar aggregate classification (germline): Uncertain significance (1 of 4 stars; one submission).

Submission:

Ambry Genetics
Classification: Uncertain significance. Last evaluated: 2021-06-28. Review status: criteria provided, single submitter. Criteria: Ambry Variant Classification Scheme 2023. Collection method: clinical testing. Allele origin: germline.
Comment: The p.A1551P variant (also known as c.4651G>C), located in coding exon 4 of the ALPK2 gene, results from a G to C substitution at nucleotide position 4651. The alanine at codon 1551 is replaced by proline, an amino acid with highly similar properties. This amino acid position is conserved. In addition, this alteration is predicted to be tolerated by in silico analysis. Since supporting evidence is limited at this time, the clinical significance of this alteration remains unclear.

NM_052947.4(ALPK2):c.4651G>C (p.Ala1551Pro)

Genes: ALPK2 (alpha kinase 2; minus strand), LOC126862764 (BRD4-independent group 4 enhancer GRCh37_chr18:56202574-56203773; plus strand). Cytogenetic location: 18q21.31.
Variant type: single nucleotide variant.
Coding change: c.4651G>C on transcript NM_052947.4 (MANE Select); coding-DNA position 4651, G replaced by C.
Protein change: p.Ala1551Pro; replaces alanine 1551 with proline.
Molecular consequence: missense variant.
Genome position (GRCh38, 1-based): chr18:58,535,536, C>G on the plus strand (G>C on the coding strand, the complement: ALPK2 is on the minus strand). VCF-style: chr18-58535536-C-G. GRCh37 (hg19) VCF-style: chr18-56202768-C-G.
Other names: short protein forms A1551P.
Identifiers: ClinVar variation 1742188 (VCV001742188.2), dbSNP rs3809983, ClinGen allele CA402560628.
Genomic context (GRCh38, chr18:58,535,536, plus strand): 5'-CATTTTCAGGGACGTCATGAATTTGGCCTGTGGAGTTGTGCGTGTCAACCCCAAGAGAAG[C>G]GTGAGTCATTATTGGAAGACAACTAGAAAGAGGTGAAGTGGGGGAAATCAATTCTGCTTT-3'
Protein context (NP_443179.3, residues 1541-1561): LSSCLPIMTH[Ala1551Pro]SLGVDTHNST